The following is an entry in ClinVar:

NM_001365536.1(SCN9A):c.3367A>G (p.Ser1123Gly)

Genes: SCN1A-AS1 (SCN1A and SCN9A antisense RNA 1; plus strand), SCN9A (sodium voltage-gated channel alpha subunit 9; minus strand). Cytogenetic location: 2q24.3.
Variant type: single nucleotide variant.
Coding change: c.3367A>G on transcript NM_001365536.1 (MANE Select); coding-DNA position 3367, A replaced by G.
Protein change: p.Ser1123Gly; replaces serine 1123 with glycine.
Molecular consequence: missense variant. On other transcripts: non-coding transcript variant (1).
Genome position (GRCh38, 1-based): chr2:166,251,870, T>C on the plus strand (A>G on the coding strand, the complement: SCN9A is on the minus strand). VCF-style: chr2-166251870-T-C. GRCh37 (hg19) VCF-style: chr2-167108380-T-C.
Other names: c.3334A>G, p.Ser1112Gly (NM_002977.4); short protein forms S1112G, S1123G.
Identifiers: ClinVar variation 1010258 (VCV001010258.10), dbSNP rs199565207, ClinGen allele CA1944076.

ClinVar aggregate classification (germline): Uncertain significance. Review status: criteria provided, multiple submitters, no conflicts (2 of 4 stars). 2 submissions from 2 submitters: Uncertain significance (2). Last evaluated 2024-12-06.

Conditions:
SCN9A-related disorder. Also called: SCN9A-related disorders; SCN9A-related condition.
Generalized epilepsy with febrile seizures plus, type 7 (GEFSP7). Also called: GEFS+, TYPE 7. Identifiers: Orphanet 36387, MedGen C2751778, MONDO:0013470, OMIM 613863.
Neuropathy, hereditary sensory and autonomic, type 2A (HSAN2A). Also called: MORVAN DISEASE; HSAN IIA; ACROOSTEOLYSIS, GIACCAI TYPE; ACROOSTEOLYSIS, NEUROGENIC; WNK1-Related HSAN2 (HSAN2A); NEUROPATHY, CONGENITAL SENSORY. Identifiers: Orphanet 970, MedGen C2752089, MONDO:0024309, OMIM 201300.

Allele frequency attached by ClinVar (database versions not stated): gnomAD 0.00001; ExAC 0.00002; ESP Exome Variant Server 0.00008.

Submissions (2):

PreventionGenetics, part of Exact Sciences
Classification: Uncertain significance for SCN9A-related condition. Last evaluated: 2024-12-06. Review status: criteria provided, single submitter. Criteria: ACMG Guidelines, 2015. Collection method: clinical testing. Allele origin: germline.
Comment: The SCN9A c.3334A>G variant is predicted to result in the amino acid substitution p.Ser1112Gly. This variant has been reported in an individual with uveitis (supplementary data, Li et al. 2020. PubMed ID: 32707200). This variant is reported in 0.0065% of alleles in individuals of South Asian descent in gnomAD. At this time, the clinical significance of this variant is uncertain due to the absence of conclusive functional and genetic evidence.

Labcorp Genetics (formerly Invitae), Labcorp
Classification: Uncertain significance for Neuropathy, hereditary sensory and autonomic, type 2A; Generalized epilepsy with febrile seizures plus, type 7. Last evaluated: 2020-04-09. Review status: criteria provided, single submitter. Criteria: Invitae Variant Classification Sherloc (09022015). Collection method: clinical testing. Allele origin: germline.
Comment: In summary, the available evidence is currently insufficient to determine the role of this variant in disease. Therefore, it has been classified as a Variant of Uncertain Significance. Algorithms developed to predict the effect of missense changes on protein structure and function are either unavailable or do not agree on the potential impact of this missense change (SIFT: "Tolerated"; PolyPhen-2: "Probably Damaging"; Align-GVGD: "Class C0"). This variant has not been reported in the literature in individuals with SCN9A-related conditions. This variant is present in population databases (rs199565207, ExAC 0.01%). This sequence change replaces serine with glycine at codon 1112 of the SCN9A protein (p.Ser1112Gly). The serine residue is highly conserved and there is a small physicochemical difference between serine and glycine.